The following is an entry in ClinVar:

NM_001042492.3(NF1):c.1722-14_1722-5del

Gene: NF1 (neurofibromin 1; plus strand). Cytogenetic location: 17q11.2.
Variant type: Deletion.
Coding change: c.1722-14_1722-5del on transcript NM_001042492.3 (MANE Select); 14 bases into the intron before coding-DNA position 1722 through 5 bases into the intron before coding-DNA position 1722, 10 bases deleted (TTATGTTACT; older notation c.1722-14_1722-5delTTATGTTACT).
Molecular consequence: intron variant.
Genome position (GRCh38, 1-based): chr17:31,223,430-31,223,439, TTATGTTACT deleted; deleting any 10 consecutive bases within chr17:31,223,427-31,223,439 gives the same sequence; the c. name uses the placement nearest the transcript's 3' end. VCF-style (leftmost placement, unchanged base first): chr17-31223426-AACTTTATGTT-A. GRCh37 (hg19) VCF-style: chr17-29550444-AACTTTATGTT-A.
Other names: c.1722-14_1722-5del (NM_000267.4); c.1722-14_1722-5del10 (NM_000267.3).
Identifiers: ClinVar variation 1364369 (VCV001364369.12), dbSNP rs2144015153, ClinGen allele CA2573153227.

ClinVar aggregate classification (germline): Conflicting classifications of pathogenicity. Review status: criteria provided, conflicting classifications (1 of 4 stars). 2 submissions from 2 submitters: Likely pathogenic (1); Uncertain significance (1). Last evaluated 2025-11-26.

Conditions:
Cardiovascular phenotype. Identifiers: MedGen CN230736.
Hereditary cancer-predisposing syndrome. Also called: Hereditary neoplastic syndrome; Hereditary Cancer Syndrome; Neoplastic Syndromes, Hereditary; Tumor predisposition. Identifiers: Orphanet 140162, MedGen C0027672, MeSH D009386, MONDO:0015356.
Neurofibromatosis, type 1 (NF1). Also called: Peripheral type neurofibromatosis; Neurofibromatosis, type I; NEUROFIBROMATOSIS, TYPE I, SOMATIC; VON RECKLINGHAUSEN DISEASE. Identifiers: Orphanet 636, MedGen C0027831, MONDO:0018975, OMIM 162200. Disease mechanism: loss of function.

Submissions (2):

Ambry Genetics
Classification: Likely pathogenic for Cardiovascular phenotype; Hereditary cancer-predisposing syndrome. Last evaluated: 2025-11-26. Review status: criteria provided, single submitter. Criteria: Ambry Variant Classification Scheme 2023. Collection method: clinical testing. Allele origin: germline.
Comment: The c.1722-14_1722-5del10 intronic variant begins 5 nucleotides before coding exon 16 in the NF1gene. This variant results from a deletion of 10 nucleotides at positions c.1722-5 to c.1722-14. In silico splice site analysis predicts that this alteration will result in the creation or strengthening of a novel splice acceptor site. RNA studies have demonstrated that this alteration results in abnormal splicing in the set of samples tested (Ambry internal data). This variant was reported in individual(s) with features consistent with neurofibromatosis type 1 (NF1) (Ambry internal data). This variant is considered to be rare based on population cohorts in the Genome Aggregation Database (gnomAD). Based on the majority of available evidence to date, this variant is likely to be pathogenic.

Labcorp Genetics (formerly Invitae), Labcorp
Classification: Uncertain significance for Neurofibromatosis, type 1. Last evaluated: 2021-01-12. Review status: criteria provided, single submitter. Criteria: Invitae Variant Classification Sherloc (09022015). Collection method: clinical testing. Allele origin: germline.
Comment: Algorithms developed to predict the effect of sequence changes on RNA splicing suggest that this variant may disrupt the consensus splice site, but this prediction has not been confirmed by published transcriptional studies. In summary, the available evidence is currently insufficient to determine the role of this variant in disease. Therefore, it has been classified as a Variant of Uncertain Significance. This variant has not been reported in the literature in individuals with NF1-related conditions. This variant is not present in population databases (ExAC no frequency). This sequence change falls in intron 15 of the NF1 gene. It does not directly change the encoded amino acid sequence of the NF1 protein.